The following is an entry in ClinVar:

ClinVar aggregate classification (germline): Uncertain significance (1 of 4 stars; one submission).

Submission:

GeneDx
Classification: Uncertain significance. Last evaluated: 2021-03-01. Review status: criteria provided, single submitter. Criteria: GeneDx Variant Classification Process June 2021. Collection method: clinical testing. Allele origin: germline. Affected: yes.
Comment: Not observed in large population cohorts (Lek et al., 2016); In silico analysis, which includes protein predictors and evolutionary conservation, supports that this variant does not alter protein structure/function; Has not been previously published as pathogenic or benign to our knowledge

NM_139058.3(ARX):c.1532C>A (p.Ala511Glu)

Gene: ARX (aristaless related homeobox; minus strand). Cytogenetic location: Xp21.3.
Variant type: single nucleotide variant.
Coding change: c.1532C>A on transcript NM_139058.3 (MANE Select); coding-DNA position 1532, C replaced by A.
Protein change: p.Ala511Glu; replaces alanine 511 with glutamic acid.
Molecular consequence: missense variant.
Genome position (GRCh38, 1-based): chrX:25,004,827, G>T on the plus strand (C>A on the coding strand, the complement: ARX is on the minus strand). VCF-style: chrX-25004827-G-T. GRCh37 (hg19) VCF-style: chrX-25022944-G-T.
Other names: short protein forms A511E.
Identifiers: ClinVar variation 1310058 (VCV001310058.2), dbSNP rs2147318722, ClinGen allele CA412610814.